The following is an entry in ClinVar:

NM_032043.3(BRIP1):c.*4000T>C

Gene: BRIP1 (BRCA1 interacting DNA helicase 1; minus strand). Cytogenetic location: 17q23.2.
Variant type: single nucleotide variant.
Coding change: c.*4000T>C on transcript NM_032043.3 (MANE Select); 4000 bases downstream of the stop codon, T replaced by C.
Molecular consequence: 3 prime UTR variant.
Genome position (GRCh38, 1-based): chr17:61,679,296, A>G on the plus strand (T>C on the coding strand, the complement: BRIP1 is on the minus strand). VCF-style: chr17-61679296-A-G. GRCh37 (hg19) VCF-style: chr17-59756657-A-G.
Identifiers: ClinVar variation 324287 (VCV000324287.5), dbSNP rs8077553, ClinGen allele CA10649719.

ClinVar aggregate classification (germline): Benign (1 of 4 stars; one submission).

Conditions:
Fanconi anemia complementation group J. Also called: BRIP1-Related Fanconi Anemia. Identifiers: Orphanet 84, MedGen C1836860, MONDO:0012187, OMIM 609054.

Allele frequency attached by ClinVar (database versions not stated): gnomAD 0.03335 and 0.03559; 1000 Genomes Project 0.03694; 1000 Genomes Project 30x 0.03779; TOPMed 0.03789.
gnomAD v4.1: 5,019 of 152,310 alleles (3.3%); highest among the groups gnomAD compares: African/African-American, 11%; 318 homozygotes.

Submission:

Illumina Laboratory Services, Illumina
Classification: Benign for Fanconi anemia complementation group J. Last evaluated: 2018-01-13. Review status: criteria provided, single submitter. Criteria: ICSL Variant Classification Criteria 13 December 2019. Collection method: clinical testing. Allele origin: germline.
Comment: This variant was observed in the ICSL laboratory as part of a predisposition screen in an ostensibly healthy population. It had not been previously curated by ICSL or reported in the Human Gene Mutation Database (HGMD: prior to June 1st, 2018), and was therefore a candidate for classification through an automated scoring system. Utilizing variant allele frequency, disease prevalence and penetrance estimates, and inheritance mode, an automated score was calculated to assess if this variant is too frequent to cause the disease. Based on the score and internal cut-off values, a variant classified as benign is not then subjected to further curation. The score for this variant resulted in a classification of benign for this disease.